The following is an entry in ClinVar:

NM_003072.5(SMARCA4):c.2806T>A (p.Cys936Ser)

Gene: SMARCA4 (SWI/SNF related, matrix associated, actin dependent regulator of chromatin, subfamily a, member 4; plus strand). Cytogenetic location: 19p13.2.
Variant type: single nucleotide variant.
Coding change: c.2806T>A on transcript NM_003072.5 (MANE Select); coding-DNA position 2806, T replaced by A.
Protein change: p.Cys936Ser; replaces cysteine 936 with serine.
Molecular consequence: missense variant. On other transcripts: non-coding transcript variant (1).
Genome position (GRCh38, 1-based): chr19:11,021,914, T>A. VCF-style: chr19-11021914-T-A. GRCh37 (hg19) VCF-style: chr19-11132590-T-A.
Other names: c.2806T>A, p.Cys936Ser (NM_001128844.3, NM_001128845.2, NM_001128846.2 and 5 more transcripts); short protein forms C936S.
Identifiers: ClinVar variation 452481 (VCV000452481.2), dbSNP rs1555778812, ClinGen allele CA404056682.

ClinVar aggregate classification (germline): Likely pathogenic (1 of 4 stars; one submission).

Submission:

GeneDx
Classification: Likely pathogenic. Last evaluated: 2017-10-04. Review status: criteria provided, single submitter. Criteria: GeneDx Variant Classification (06012015). Collection method: clinical testing. Allele origin: germline. Affected: yes.
Comment: The C936S variant in the SMARCA4 gene has not been reported previously as a pathogenic variant, nor as a benign variant, to our knowledge. The C936S variant is not observed in large population cohorts (Lek et al., 2016). The C936S variant is a non-conservative amino acid substitution, which is likely to impact secondary protein structure as these residues differ in polarity, charge, size and/or other properties. This substitution occurs at a position that is conserved across species. In silico analysis predicts this variant is probably damaging to the protein structure/function. We interpret C936S as a likely pathogenic variant.